The following is an entry in ClinVar:

NM_001042492.3(NF1):c.426_437del (p.Leu142_Ser146delinsPhe)

Gene: NF1 (neurofibromin 1; plus strand). Cytogenetic location: 17q11.2.
Variant type: Deletion.
Coding change: c.426_437del on transcript NM_001042492.3 (MANE Select); coding-DNA positions 426 to 437, 12 bases deleted (ATTTTCTCTCAG).
Protein change: p.Leu142_Ser146delinsPhe.
Molecular consequence: inframe indel.
Genome position (GRCh38, 1-based): chr17:31,163,323-31,163,334, ATTTTCTCTCAG deleted. VCF-style (leftmost placement, unchanged base first): chr17-31163322-TATTTTCTCTCAG-T. GRCh37 (hg19) VCF-style: chr17-29490340-TATTTTCTCTCAG-T.
Other names: c.426_437del, p.Leu142_Ser146delinsPhe (NM_001128147.3); c.426_437delATTTTCTCTCAG, p.Leu142_Ser146delinsPhe (NM_000267.4).
Identifiers: ClinVar variation 1316458 (VCV001316458.2), dbSNP rs2143673002, ClinGen allele CA2573054366.
Genomic context (GRCh38, chr17:31,163,322, plus strand): 5'-ACACCTGTCGTGAAGGAAACCAGCATGCAGCTGAACTTCGGAATTCTGCCTCTGGGGTTT[TATTTTCTCTCAG>T]CTGCAACAACTTCAATGCAGTCTTTAGTCGCATTTCTACCAGGTTAGTGTGTAAATCCAC-3'

ClinVar aggregate classification (germline): Uncertain significance (1 of 4 stars; one submission).

Submission:

GeneDx
Classification: Uncertain significance. Last evaluated: 2021-02-11. Review status: criteria provided, single submitter. Criteria: GeneDx Variant Classification Process June 2021. Collection method: clinical testing. Allele origin: germline. Affected: yes.
Comment: Not observed in large population cohorts (Lek 2016); In-frame deletion of 5 amino acids in a non-repeat region; In silico analysis supports a deleterious effect on protein structure/function; Has not been previously published as pathogenic or benign to our knowledge